The following is an entry in ClinVar:

ClinVar aggregate classification (germline): Uncertain significance. Review status: criteria provided, multiple submitters, no conflicts (2 of 4 stars). 2 submissions from 2 submitters: Uncertain significance (2). Last evaluated 2024-04-14.

Conditions:
Autosomal recessive axonal neuropathy with neuromyotonia (NMAN). Also called: Neuromyotonia and axonal neuropathy, autosomal recessive; MYOKYMIA, MYOTONIA, AND MUSCLE WASTING; Gamstorp-Wohlfart syndrome. Identifiers: Orphanet 324442, MedGen C5700127, MONDO:0007646, OMIM 137200.

Allele frequency attached by ClinVar (database versions not stated): ExAC 0.00001; TOPMed 0.00002; gnomAD exomes 0.00002; gnomAD 0.00001.
gnomAD v4.1: 30 of 1,613,536 alleles (0.0019%); highest among the groups gnomAD compares: Non-Finnish European, 0.0025%; no homozygotes.

Submissions (2):

GeneDx
Classification: Uncertain significance. Last evaluated: 2024-04-14. Review status: criteria provided, single submitter. Criteria: GeneDx Variant Classification Process June 2021. Collection method: clinical testing. Allele origin: germline.
Comment: Not observed at significant frequency in large population cohorts (gnomAD); In silico analysis supports that this missense variant has a deleterious effect on protein structure/function; Has not been previously published as pathogenic or benign to our knowledge

Labcorp Genetics (formerly Invitae), Labcorp
Classification: Uncertain significance for Autosomal recessive axonal neuropathy with neuromyotonia. Last evaluated: 2022-10-13. Review status: criteria provided, single submitter. Criteria: Invitae Variant Classification Sherloc (09022015). Collection method: clinical testing. Allele origin: germline.
Comment: This sequence change replaces isoleucine, which is neutral and non-polar, with threonine, which is neutral and polar, at codon 31 of the HINT1 protein (p.Ile31Thr). The frequency data for this variant in the population databases is considered unreliable, as metrics indicate poor data quality at this position in the gnomAD database. This variant has not been reported in the literature in individuals affected with HINT1-related conditions. ClinVar contains an entry for this variant (Variation ID: 1361435). Algorithms developed to predict the effect of missense changes on protein structure and function (SIFT, PolyPhen-2, Align-GVGD) all suggest that this variant is likely to be tolerated. In summary, the available evidence is currently insufficient to determine the role of this variant in disease. Therefore, it has been classified as a Variant of Uncertain Significance.

NM_005340.7(HINT1):c.92T>C (p.Ile31Thr)

Gene: HINT1 (histidine triad nucleotide binding protein 1; minus strand). Cytogenetic location: 5q23.3.
Variant type: single nucleotide variant.
Coding change: c.92T>C on transcript NM_005340.7 (MANE Select); coding-DNA position 92, T replaced by C.
Protein change: p.Ile31Thr; replaces isoleucine 31 with threonine.
Molecular consequence: missense variant. On other transcripts: non-coding transcript variant (5).
Genome position (GRCh38, 1-based): chr5:131,165,114, A>G on the plus strand (T>C on the coding strand, the complement: HINT1 is on the minus strand). VCF-style: chr5-131165114-A-G. GRCh37 (hg19) VCF-style: chr5-130500807-A-G.
Other names: short protein forms I31T.
Identifiers: ClinVar variation 1361435 (VCV001361435.7), dbSNP rs768463956, ClinGen allele CA3398659.